The following is an entry in ClinVar:

NM_003660.4(PPFIA3):c.2374del (p.Thr792fs)

Gene: PPFIA3 (PPFI scaffold protein A3; plus strand). Cytogenetic location: 19q13.33.
Variant type: Deletion.
Coding change: c.2374del on transcript NM_003660.4 (MANE Select); coding-DNA position 2374, one base deleted (A; older notation c.2374delA).
Protein change: p.Thr792fs; shifts the reading frame from threonine 792.
Molecular consequence: frameshift variant. On other transcripts: non-coding transcript variant (1).
Genome position (GRCh38, 1-based): chr19:49,141,425, A deleted; the last of 2 consecutive A bases (chr19:49,141,424-49,141,425); deleting either gives the same sequence. VCF-style (leftmost placement, unchanged base first): chr19-49141423-GA-G. GRCh37 (hg19) VCF-style: chr19-49644680-GA-G.
Other names: short protein forms T792fs.
Identifiers: ClinVar variation 3764230 (VCV003764230.2).

ClinVar aggregate classification (germline): Likely pathogenic (1 of 4 stars; one submission).

Submission:

GeneDx
Classification: Likely pathogenic. Last evaluated: 2025-11-14. Review status: criteria provided, single submitter. Criteria: GeneDx Variant Classification Process June 2021. Collection method: clinical testing. Allele origin: germline.
Comment: Reported in two patients with autism in the published literature; however, detailed clinical information was not provided (PMID: 34312540); Frameshift variant predicted to result in protein truncation or nonsense mediated decay in a gene for which loss of function is a known mechanism of disease; Not observed at significant frequency in large population cohorts (gnomAD); This variant is associated with the following publications: (PMID: 34312540)